The following is an entry in ClinVar:

NM_024496.4(IRF2BPL):c.336G>A (p.Gln112=)

Gene: IRF2BPL (interferon regulatory factor 2 binding protein like; minus strand). Cytogenetic location: 14q24.3.
Variant type: single nucleotide variant.
Coding change: c.336G>A on transcript NM_024496.4 (MANE Select); coding-DNA position 336, G replaced by A.
Protein change: p.Gln112=; no amino-acid change (glutamine 112 retained).
Molecular consequence: synonymous variant.
Genome position (GRCh38, 1-based): chr14:77,027,457, C>T on the plus strand (G>A on the coding strand, the complement: IRF2BPL is on the minus strand). VCF-style: chr14-77027457-C-T. GRCh37 (hg19) VCF-style: chr14-77493800-C-T.
Identifiers: ClinVar variation 2644419 (VCV002644419.25), dbSNP rs1171218226, ClinGen allele CA7284022.
Genomic context (GRCh38, chr14:77,027,457, plus strand): 5'-ATCAACGTGGTTGAGCTGTTGTTGCTGCTGCTGCTGCTGCTGCTGCTGCTGCTGTTGCTG[C>T]TGCTGCTGCTGCTGTTGCTGTTGCTGTTGCGCGGCGGCGGCGGCGGCCGCCGCTGCTGCC-3'
Protein context (NP_078772.1, residues 102-122): AQQQQQQQQQ[Gln112=]QQQQQQQQQQ

ClinVar aggregate classification (germline): Likely benign. Review status: criteria provided, multiple submitters, no conflicts (2 of 4 stars). 2 submissions from 2 submitters: Likely benign (2). Last evaluated 2026-09-01.

Allele frequency attached by ClinVar (database versions not stated): ExAC 0.00009; gnomAD 0.00039.

Submissions (2):

CeGaT Center for Human Genetics Tuebingen
Classification: Likely benign. Last evaluated: 2026-09-01. Review status: criteria provided, single submitter. Criteria: CeGaT Center For Human Genetics Tuebingen Variant Classification Criteria Version 2. Collection method: clinical testing. Allele origin: germline. Affected: yes. Observed: 18 variant alleles.
Comment: IRF2BPL: BP4, BP7, BS1

Blueprint Genetics
Classification: Likely benign. Last evaluated: 2024-06-26. Review status: criteria provided, single submitter. Criteria: ACMG Guidelines, 2015. Collection method: clinical testing. Allele origin: germline.